The following is an entry in ClinVar:

ClinVar aggregate classification (germline): Uncertain significance. Review status: criteria provided, multiple submitters, no conflicts (2 of 4 stars). 2 submissions from 2 submitters: Uncertain significance (2). Last evaluated 2024-10-16.

Conditions:
Inborn genetic diseases. Identifiers: MedGen C0950123, MeSH D030342.
Sialuria. Also called: SIALURIA, FRENCH TYPE; Sialic Acid Storage Disease. Identifiers: Orphanet 3166, MedGen C0342853, MONDO:0010028, OMIM 269921.
GNE myopathy (NM). Also called: INCLUSION BODY MYOPATHY, HEREDITARY, AUTOSOMAL RECESSIVE; INCLUSION BODY MYOPATHY 2, AUTOSOMAL RECESSIVE; MYOPATHY, DISTAL, WITH OR WITHOUT RIMMED VACUOLES; IBM 2; Inclusion body myopathy autosomal recessive; Inclusion body myopathy quadriceps sparing. Identifiers: Orphanet 602, MedGen C1853926, MONDO:0011603, OMIM 605820.

Allele frequency attached by ClinVar (database versions not stated): TOPMed 0.00002.

Submissions (2):

Labcorp Genetics (formerly Invitae), Labcorp
Classification: Uncertain significance for Sialuria; GNE myopathy. Last evaluated: 2024-10-16. Review status: criteria provided, single submitter. Criteria: Invitae Variant Classification Sherloc (09022015). Collection method: clinical testing. Allele origin: germline.
Comment: This sequence change replaces alanine, which is neutral and non-polar, with threonine, which is neutral and polar, at codon 223 of the GNE protein (p.Ala223Thr). This variant is not present in population databases (gnomAD no frequency). This variant has not been reported in the literature in individuals affected with GNE-related conditions. Invitae Evidence Modeling of protein sequence and biophysical properties (such as structural, functional, and spatial information, amino acid conservation, physicochemical variation, residue mobility, and thermodynamic stability) has been performed for this missense variant. However, the output from this modeling did not meet the statistical confidence thresholds required to predict the impact of this variant on GNE protein function. In summary, the available evidence is currently insufficient to determine the role of this variant in disease. Therefore, it has been classified as a Variant of Uncertain Significance.

Ambry Genetics
Classification: Uncertain significance for Inborn genetic diseases. Last evaluated: 2023-11-03. Review status: criteria provided, single submitter. Criteria: Ambry Variant Classification Scheme 2023. Collection method: clinical testing. Allele origin: germline.

NM_005476.7(GNE):c.574G>A (p.Ala192Thr)

Gene: GNE (glucosamine (UDP-N-acetyl)-2-epimerase/N-acetylmannosamine kinase; minus strand). Cytogenetic location: 9p13.3.
Variant type: single nucleotide variant.
Coding change: c.574G>A on transcript NM_005476.7 (MANE Select); coding-DNA position 574, G replaced by A.
Protein change: p.Ala192Thr; replaces alanine 192 with threonine.
Molecular consequence: missense variant.
Genome position (GRCh38, 1-based): chr9:36,246,073, C>T on the plus strand (G>A on the coding strand, the complement: GNE is on the minus strand). VCF-style: chr9-36246073-C-T. GRCh37 (hg19) VCF-style: chr9-36246070-C-T.
Other names: c.667G>A, p.Ala223Thr (NM_001128227.3); c.574G>A, p.Ala192Thr (NM_001190383.3, NM_001374797.1); c.397G>A, p.Ala133Thr (NM_001190384.3, NM_001190388.2, NM_001374798.1); short protein forms A223T, A133T, A192T.
Identifiers: ClinVar variation 3100615 (VCV003100615.3), dbSNP rs1829859796, ClinGen allele CA373418081.